The following is an entry in ClinVar:

ClinVar aggregate classification (germline): Uncertain significance. Review status: criteria provided, multiple submitters, no conflicts (2 of 4 stars). 2 submissions from 2 submitters: Uncertain significance (2). Last evaluated 2025-05-13.

Conditions:
Inborn genetic diseases. Identifiers: MedGen C0950123, MeSH D030342.
Lafora disease. Also called: Epilepsy progressive myoclonic 2. Identifiers: Orphanet 501, MedGen C0751783, MONDO:0009697.

Allele frequency attached by ClinVar (database versions not stated): ExAC 0.00001; TOPMed 0.00003; ESP Exome Variant Server 0.00008; gnomAD 0.00004.

Submissions (2):

Ambry Genetics
Classification: Uncertain significance for Inborn genetic diseases. Last evaluated: 2025-05-13. Review status: criteria provided, single submitter. Criteria: Ambry Variant Classification Scheme 2023. Collection method: clinical testing. Allele origin: germline.

Labcorp Genetics (formerly Invitae), Labcorp
Classification: Uncertain significance for Lafora disease. Last evaluated: 2022-09-27. Review status: criteria provided, single submitter. Criteria: Invitae Variant Classification Sherloc (09022015). Collection method: clinical testing. Allele origin: germline.
Comment: This sequence change replaces valine, which is neutral and non-polar, with leucine, which is neutral and non-polar, at codon 142 of the NHLRC1 protein (p.Val142Leu). This variant is present in population databases (rs376655413, gnomAD 0.02%). This variant has not been reported in the literature in individuals affected with NHLRC1-related conditions. ClinVar contains an entry for this variant (Variation ID: 937550). Algorithms developed to predict the effect of missense changes on protein structure and function (SIFT, PolyPhen-2, Align-GVGD) all suggest that this variant is likely to be tolerated. In summary, the available evidence is currently insufficient to determine the role of this variant in disease. Therefore, it has been classified as a Variant of Uncertain Significance.

NM_198586.3(NHLRC1):c.424G>C (p.Val142Leu)

Gene: NHLRC1 (NHL repeat containing E3 ubiquitin protein ligase 1; minus strand). Cytogenetic location: 6p22.3.
Variant type: single nucleotide variant.
Coding change: c.424G>C on transcript NM_198586.3 (MANE Select); coding-DNA position 424, G replaced by C.
Protein change: p.Val142Leu; replaces valine 142 with leucine.
Molecular consequence: missense variant.
Genome position (GRCh38, 1-based): chr6:18,122,183, C>G on the plus strand (G>C on the coding strand, the complement: NHLRC1 is on the minus strand). VCF-style: chr6-18122183-C-G. GRCh37 (hg19) VCF-style: chr6-18122414-C-G.
Other names: short protein forms V142L.
Identifiers: ClinVar variation 937550 (VCV000937550.8), dbSNP rs376655413, ClinGen allele CA3649998.